The following is an entry in ClinVar:

NM_000240.4(MAOA):c.166del (p.Arg56fs)

Gene: MAOA (monoamine oxidase A; plus strand). Cytogenetic location: Xp11.3.
Variant type: Deletion.
Coding change: c.166del on transcript NM_000240.4 (MANE Select); coding-DNA position 166, one base deleted (A; older notation c.166delA).
Protein change: p.Arg56fs; shifts the reading frame from arginine 56.
Molecular consequence: frameshift variant. On other transcripts: 5 prime UTR variant (1).
Genome position (GRCh38, 1-based): chrX:43,683,605, A deleted; the last of 2 consecutive A bases (chrX:43,683,604-43,683,605); deleting either gives the same sequence. VCF-style (leftmost placement, unchanged base first): chrX-43683603-TA-T. GRCh37 (hg19) VCF-style: chrX-43542851-TA-T.
Other names: c.-234del (NM_001270458.2); short protein forms R56fs.
Identifiers: ClinVar variation 2571364 (VCV002571364.27), dbSNP rs2519124859, ClinGen allele CA2580617008.
Genomic context (GRCh38, chrX:43,683,603, plus strand): 5'-ATGGCGTTAGTGTTTTGGTTTTAGAAGCTCGGGACAGGGTTGGAGGAAGAACATATACTA[TA>T]AGGGTAAGTGATTTTAATACTTACATGTAATGTAATATCTCACTCAAACTACAAGTGGCA-3'

ClinVar aggregate classification (germline): Likely pathogenic (1 of 4 stars; one submission).

Submission:

CeGaT Center for Human Genetics Tuebingen
Classification: Likely pathogenic. Last evaluated: 2023-04-01. Review status: criteria provided, single submitter. Criteria: CeGaT Center For Human Genetics Tuebingen Variant Classification Criteria Version 2. Collection method: clinical testing. Allele origin: germline. Affected: yes. Observed: 1 variant allele.
Comment: MAOA: PVS1:Strong, PM2